The following is an entry in ClinVar:

NM_182914.3(SYNE2):c.10067+3A>G

Gene: SYNE2 (spectrin repeat containing nuclear envelope protein 2; plus strand). Cytogenetic location: 14q23.2.
Variant type: single nucleotide variant.
Coding change: c.10067+3A>G on transcript NM_182914.3 (MANE Select); 3 bases into the intron after coding-DNA position 10067, A replaced by G.
Molecular consequence: intron variant.
Genome position (GRCh38, 1-based): chr14:64,056,269, A>G. VCF-style: chr14-64056269-A-G. GRCh37 (hg19) VCF-style: chr14-64522987-A-G.
Other names: c.10067+3A>G (NM_015180.6).
Identifiers: ClinVar variation 2714808 (VCV002714808.3), dbSNP rs2097267739, ClinGen allele CA963979076.
Genomic context (GRCh38, chr14:64,056,269, plus strand): 5'-TTTCTAAGAACTCAGCAATGAAGGAAGCTTTCAAAGCACAGGAAACTGAGGCAGAAAGGT[A>G]GGTCCTCTTCCAAAGGTAATCTTTAAGAACATAAAATATTGTTTCAAGATATAATTAAAC-3'

ClinVar aggregate classification (germline): Uncertain significance (1 of 4 stars; one submission).

Conditions:
Emery-Dreifuss muscular dystrophy 5, autosomal dominant (EDMD5). Also called: EMERY-DREIFUSS MUSCULAR DYSTROPHY 5. Identifiers: Orphanet 261, MedGen C2751805, MONDO:0013072, OMIM 612999.

Allele frequency attached by ClinVar (database versions not stated): gnomAD exomes below 0.00001; TOPMed below 0.00001.
gnomAD v4.1: 8 of 1,612,822 alleles (0.0005%); highest among the groups gnomAD compares: East Asian, 0.0022%; no homozygotes.

Submission:

Labcorp Genetics (formerly Invitae), Labcorp
Classification: Uncertain significance for Emery-Dreifuss muscular dystrophy 5, autosomal dominant. Last evaluated: 2024-01-09. Review status: criteria provided, single submitter. Criteria: Invitae Variant Classification Sherloc (09022015). Collection method: clinical testing. Allele origin: germline.
Comment: This sequence change falls in intron 49 of the SYNE2 gene. It does not directly change the encoded amino acid sequence of the SYNE2 protein. It affects a nucleotide within the consensus splice site. This variant is not present in population databases (gnomAD no frequency). This variant has not been reported in the literature in individuals affected with SYNE2-related conditions. Variants that disrupt the consensus splice site are a relatively common cause of aberrant splicing (PMID: 17576681, 9536098). Algorithms developed to predict the effect of sequence changes on RNA splicing suggest that this variant may create or strengthen a splice site. In summary, the available evidence is currently insufficient to determine the role of this variant in disease. Therefore, it has been classified as a Variant of Uncertain Significance.

Literature cited by the submitters: PubMed 17576681; PubMed 9536098.